The following is an entry in ClinVar:

ClinVar aggregate classification (germline): Pathogenic (1 of 4 stars; one submission).

Conditions:
Microcephaly, normal intelligence and immunodeficiency (NBS). Also called: Nijmegen breakage syndrome; Microcephaly with normal intelligence immunodeficiency and lymphoreticular malignancies; Nonsyndromal microcephaly autosomal recessive with normal intelligence; Seemanova syndrome 2; BERLIN BREAKAGE SYNDROME; IMMUNODEFICIENCY, MICROCEPHALY, AND CHROMOSOMAL INSTABILITY. Identifiers: Orphanet 647, MedGen C0398791, MONDO:0009623, OMIM 251260.

Submission:

Labcorp Genetics (formerly Invitae), Labcorp
Classification: Pathogenic for Microcephaly, normal intelligence and immunodeficiency. Last evaluated: 2023-11-13. Review status: criteria provided, single submitter. Criteria: Invitae Variant Classification Sherloc (09022015). Collection method: clinical testing. Allele origin: germline.
Comment: This sequence change creates a premature translational stop signal (p.Lys288Asnfs*6) in the NBN gene. It is expected to result in an absent or disrupted protein product. Loss-of-function variants in NBN are known to be pathogenic (PMID: 9590180, 16415040). This variant is not present in population databases (gnomAD no frequency). This variant has not been reported in the literature in individuals affected with NBN-related conditions. For these reasons, this variant has been classified as Pathogenic.

Literature cited by the submitters: PubMed 9590180; PubMed 16415040.

NM_002485.5(NBN):c.864del (p.Lys288fs)

Gene: NBN (nibrin; minus strand). Cytogenetic location: 8q21.3.
Variant type: Deletion.
Coding change: c.864del on transcript NM_002485.5 (MANE Select); coding-DNA position 864, one base deleted (A; older notation c.864delA).
Protein change: p.Lys288fs; shifts the reading frame from lysine 288.
Molecular consequence: frameshift variant.
Genome position (GRCh38, 1-based): chr8:89,970,396, T deleted on the plus strand (A on the coding strand, the reverse complement: NBN is on the minus strand); the first of 3 consecutive T bases (chr8:89,970,396-89,970,398); deleting any one gives the same sequence. VCF-style (leftmost placement, unchanged base first): chr8-89970395-AT-A. GRCh37 (hg19) VCF-style: chr8-90982623-AT-A.
Other names: c.618del, p.Lys206fs (NM_001024688.3); short protein forms K206fs, K288fs.
Identifiers: ClinVar variation 2695417 (VCV002695417.3), dbSNP rs2488309193, ClinGen allele CA2697550054.
Genomic context (GRCh38, chr8:89,970,395, plus strand): 5'-TTTTTTACTAATAAAGAATAATTCTATACCTTTGGAGCATATCCATTATTGACTGAATCC[AT>A]TTCTTCTGACAGTCAGGAATTAAGGTCTGTGAGTTTGTTATTCCTGTATCAACAACACAC-3'